The following is an entry in ClinVar:

ClinVar aggregate classification (germline): Uncertain significance. Review status: criteria provided, multiple submitters, no conflicts (2 of 4 stars). 2 submissions from 2 submitters: Uncertain significance (2). Last evaluated 2024-12-02.

Conditions:
Inborn genetic diseases. Identifiers: MedGen C0950123, MeSH D030342.

Allele frequency attached by ClinVar (database versions not stated): gnomAD exomes below 0.00001 and 0.00001; ExAC 0.00001.
gnomAD v4.1: 12 of 1,613,638 alleles (0.00074%); highest among the groups gnomAD compares: African/African-American, 0.004%; no homozygotes.

Submissions (2):

Labcorp Genetics (formerly Invitae), Labcorp
Classification: Uncertain significance. Last evaluated: 2024-12-02. Review status: criteria provided, single submitter. Criteria: Invitae Variant Classification Sherloc (09022015). Collection method: clinical testing. Allele origin: germline.
Comment: This sequence change replaces isoleucine, which is neutral and non-polar, with valine, which is neutral and non-polar, at codon 484 of the LARS2 protein (p.Ile484Val). This variant is present in population databases (rs745912201, gnomAD 0.003%). This variant has not been reported in the literature in individuals affected with LARS2-related conditions. ClinVar contains an entry for this variant (Variation ID: 1460497). Invitae Evidence Modeling of protein sequence and biophysical properties (such as structural, functional, and spatial information, amino acid conservation, physicochemical variation, residue mobility, and thermodynamic stability) indicates that this missense variant is not expected to disrupt LARS2 protein function with a negative predictive value of 80%. In summary, the available evidence is currently insufficient to determine the role of this variant in disease. Therefore, it has been classified as a Variant of Uncertain Significance.

Ambry Genetics
Classification: Uncertain significance for Inborn genetic diseases. Last evaluated: 2024-03-11. Review status: criteria provided, single submitter. Criteria: Ambry Variant Classification Scheme 2023. Collection method: clinical testing. Allele origin: germline.

NM_015340.4(LARS2):c.1450A>G (p.Ile484Val)

Genes: LARS2 (leucyl-tRNA synthetase 2, mitochondrial; plus strand), LARS2-AS1 (LARS2 antisense RNA 1; minus strand). Cytogenetic location: 3p21.31.
Variant type: single nucleotide variant.
Coding change: c.1450A>G on transcript NM_015340.4 (MANE Select); coding-DNA position 1450, A replaced by G.
Protein change: p.Ile484Val; replaces isoleucine 484 with valine.
Molecular consequence: missense variant.
Genome position (GRCh38, 1-based): chr3:45,491,727, A>G. VCF-style: chr3-45491727-A-G. GRCh37 (hg19) VCF-style: chr3-45533219-A-G.
Other names: c.1450A>G, p.Ile484Val (NM_001368263.1); c.1450A>G (NM_015340.3); short protein forms I484V.
Identifiers: ClinVar variation 1460497 (VCV001460497.6), dbSNP rs745912201, ClinGen allele CA2349598.